The following is an entry in ClinVar:

NM_014391.3(ANKRD1):c.453+2T>C

Gene: ANKRD1 (ankyrin repeat domain 1; minus strand). Cytogenetic location: 10q23.31.
Variant type: single nucleotide variant.
Coding change: c.453+2T>C on transcript NM_014391.3 (MANE Select); the canonical splice donor site of the intron after coding-DNA position 453, T replaced by C.
Molecular consequence: splice donor variant.
Genome position (GRCh38, 1-based): chr10:90,918,863, A>G on the plus strand (T>C on the coding strand, the complement: ANKRD1 is on the minus strand). VCF-style: chr10-90918863-A-G. GRCh37 (hg19) VCF-style: chr10-92678620-A-G.
Identifiers: ClinVar variation 1921044 (VCV001921044.5), dbSNP rs1847399314, ClinGen allele CA377551986.

ClinVar aggregate classification (germline): Uncertain significance (1 of 4 stars; one submission).

Conditions:
ANKRD1-related dilated cardiomyopathy. Identifiers: MedGen CN119551.

Allele frequency attached by ClinVar (database versions not stated): gnomAD exomes below 0.00001; TOPMed 0.00001.

Submission:

Labcorp Genetics (formerly Invitae), Labcorp
Classification: Uncertain significance for ANKRD1-related dilated cardiomyopathy. Last evaluated: 2025-01-01. Review status: criteria provided, single submitter. Criteria: Invitae Variant Classification Sherloc (09022015). Collection method: clinical testing. Allele origin: germline.
Comment: This sequence change affects a donor splice site in intron 4 of the ANKRD1 gene. It is expected to disrupt RNA splicing. Variants that disrupt the donor or acceptor splice site typically lead to a loss of protein function (PMID: 16199547), however the current clinical and genetic evidence is not sufficient to establish whether loss-of-function variants in ANKRD1 cause disease. This variant is not present in population databases (gnomAD no frequency). This variant has not been reported in the literature in individuals affected with ANKRD1-related conditions. ClinVar contains an entry for this variant (Variation ID: 1921044). Algorithms developed to predict the effect of sequence changes on RNA splicing suggest that this variant may disrupt the consensus splice site. In summary, the available evidence is currently insufficient to determine the role of this variant in disease. Therefore, it has been classified as a Variant of Uncertain Significance.

Literature cited by the submitters: PubMed 16199547.